The following is an entry in ClinVar:

ClinVar aggregate classification (germline): Uncertain significance (1 of 4 stars; one submission).

Conditions:
Inborn genetic diseases. Identifiers: MedGen C0950123, MeSH D030342.

Submission:

Ambry Genetics
Classification: Uncertain significance for Inborn genetic diseases. Last evaluated: 2026-05-14. Review status: criteria provided, single submitter. Criteria: Ambry Variant Classification Scheme 2023. Collection method: clinical testing. Allele origin: germline.
Comment: The p.W463L variant (also known as c.1388G>T), located in coding exon 10 of the FANCG gene, results from a G to T substitution at nucleotide position 1388. The tryptophan at codon 463 is replaced by leucine, an amino acid with similar properties. This amino acid position is conserved. In addition, this alteration is predicted to be tolerated by in silico analysis. Based on the available evidence, the clinical significance of this variant remains unclear.

NM_004629.2(FANCG):c.1388G>T (p.Trp463Leu)

Gene: FANCG (FA complementation group G; minus strand). Cytogenetic location: 9p13.3.
Variant type: single nucleotide variant.
Coding change: c.1388G>T on transcript NM_004629.2 (MANE Select); coding-DNA position 1388, G replaced by T.
Protein change: p.Trp463Leu; replaces tryptophan 463 with leucine.
Molecular consequence: missense variant.
Genome position (GRCh38, 1-based): chr9:35,075,510, C>A on the plus strand (G>T on the coding strand, the complement: FANCG is on the minus strand). VCF-style: chr9-35075510-C-A. GRCh37 (hg19) VCF-style: chr9-35075507-C-A.
Other names: short protein forms W463L.
Identifiers: ClinVar variation 4871002 (VCV004871002.1).